The following is an entry in ClinVar:

ClinVar aggregate classification (germline): Uncertain significance. Review status: criteria provided, multiple submitters, no conflicts (2 of 4 stars). 5 submissions from 5 submitters: Uncertain significance (5). Last evaluated 2025-01-09.

Conditions:
Hereditary nonpolyposis colorectal neoplasms. Identifiers: MedGen C0009405, MeSH D003123.
Lynch syndrome. Identifiers: Orphanet 144, MedGen C4552100, MONDO:0005835. Disease mechanism: loss of function.
Hereditary cancer-predisposing syndrome. Also called: Hereditary Cancer Syndrome; Hereditary neoplastic syndrome; Tumor predisposition; Neoplastic Syndromes, Hereditary. Identifiers: Orphanet 140162, MedGen C0027672, MeSH D009386, MONDO:0015356.

Submissions (5):

Quest Diagnostics Nichols Institute San Juan Capistrano
Classification: Uncertain significance. Last evaluated: 2025-01-09. Review status: criteria provided, single submitter. Criteria: Quest Diagnostics criteria. Collection method: clinical testing. Allele origin: unknown.
Comment: The PMS2 c.29A>T (p.Glu10Val) variant has not been reported in individuals with PMS2-related conditions in the published literature. It also has not been reported in large, multi-ethnic general populations (Genome Aggregation Database). Analysis of this variant using bioinformatics tools for the prediction of the effect of amino acid changes on protein structure and function yielded conflicting predictions that this variant is benign or damaging. Based on the available information, we are unable to determine the clinical significance of this variant.

Ambry Genetics
Classification: Uncertain significance for Hereditary cancer-predisposing syndrome. Last evaluated: 2024-10-11. Review status: criteria provided, single submitter. Criteria: Ambry Variant Classification Scheme 2023. Collection method: clinical testing. Allele origin: germline.
Comment: The p.E10V variant (also known as c.29A>T), located in coding exon 2 of the PMS2 gene, results from an A to T substitution at nucleotide position 29. The glutamic acid at codon 10 is replaced by valine, an amino acid with dissimilar properties. This amino acid position is conserved. In addition, the in silico prediction for this alteration is inconclusive. Based on the available evidence, the clinical significance of this variant remains unclear.

Color Diagnostics, LLC DBA Color Health
Classification: Uncertain significance for Hereditary cancer-predisposing syndrome. Last evaluated: 2024-03-07. Review status: criteria provided, single submitter. Criteria: ACMG Guidelines, 2015. Collection method: clinical testing. Allele origin: germline.
Comment: This missense variant replaces glutamic acid with valine at codon 10 of the PMS2 protein. Computational prediction is inconclusive regarding the impact of this variant on protein structure and function (internally defined REVEL score threshold 0.5 < inconclusive < 0.7, PMID: 27666373). To our knowledge, functional studies have not been reported for this variant. This variant has not been reported in individuals affected with PMS2-related disorders in the literature. This variant has not been identified in the general population by the Genome Aggregation Database (gnomAD). The available evidence is insufficient to determine the role of this variant in disease conclusively. Therefore, this variant is classified as a Variant of Uncertain Significance.

All of Us Research Program, National Institutes of Health
Classification: Uncertain significance for Lynch syndrome. Last evaluated: 2023-07-19. Review status: criteria provided, single submitter. Criteria: ACMG Guidelines, 2015. Collection method: clinical testing. Allele origin: germline. Inheritance: Autosomal dominant inheritance. Observed: 1 variant allele, 1 heterozygote.
Comment: This missense variant replaces glutamic acid with valine at codon 10 of the PMS2 protein. Computational prediction is inconclusive regarding the impact of this variant on protein structure and function (internally defined REVEL score threshold 0.5 < inconclusive < 0.7, PMID: 27666373). Splice site prediction tools suggest that this variant may not impact RNA splicing. To our knowledge, functional studies have not been performed for this variant. This variant has not been reported in individuals affected with hereditary cancer in the literature. This variant has not been identified in the general population by the Genome Aggregation Database (gnomAD). The available evidence is insufficient to determine the role of this variant in disease conclusively. Therefore, this variant is classified as a Variant of Uncertain Significance.

This study involves interpretation of variants in research participants for the purpose of population health screening. Participant phenotype was not available at the time of variant classification. Additional details can be found in publication PMID: 35346344, PMCID: PMC8962531

Labcorp Genetics (formerly Invitae), Labcorp
Classification: Uncertain significance for Hereditary nonpolyposis colorectal neoplasms. Last evaluated: 2022-06-15. Review status: criteria provided, single submitter. Criteria: Invitae Variant Classification Sherloc (09022015). Collection method: clinical testing. Allele origin: germline.
Comment: This sequence change replaces glutamic acid, which is acidic and polar, with valine, which is neutral and non-polar, at codon 10 of the PMS2 protein (p.Glu10Val). This variant is not present in population databases (gnomAD no frequency). This variant has not been reported in the literature in individuals affected with PMS2-related conditions. ClinVar contains an entry for this variant (Variation ID: 843089). Advanced modeling of protein sequence and biophysical properties (such as structural, functional, and spatial information, amino acid conservation, physicochemical variation, residue mobility, and thermodynamic stability) performed at Invitae indicates that this missense variant is not expected to disrupt PMS2 protein function. In summary, the available evidence is currently insufficient to determine the role of this variant in disease. Therefore, it has been classified as a Variant of Uncertain Significance.

NM_000535.7(PMS2):c.29A>T (p.Glu10Val)

Gene: PMS2 (PMS1 homolog 2, mismatch repair system component; minus strand). Cytogenetic location: 7p22.1.
Variant type: single nucleotide variant.
Coding change: c.29A>T on transcript NM_000535.7 (MANE Select); coding-DNA position 29, A replaced by T.
Protein change: p.Glu10Val; replaces glutamic acid 10 with valine.
Molecular consequence: missense variant. On other transcripts: 5 prime UTR variant (8), non-coding transcript variant (1), intron variant (3).
Genome position (GRCh38, 1-based): chr7:6,006,026, T>A on the plus strand (A>T on the coding strand, the complement: PMS2 is on the minus strand). VCF-style: chr7-6006026-T-A. GRCh37 (hg19) VCF-style: chr7-6045657-T-A.
Other names: c.-377A>T (NM_001322003.2, NM_001322005.2, NM_001322009.2 and 1 more transcripts); c.29A>T, p.Glu10Val (NM_001322006.2, NM_001322014.2); c.-187A>T (NM_001322007.2); c.-856A>T (NM_001322011.2, NM_001322012.2); c.-456A>T (NM_001322015.2); c.-52-1968A>T (NM_001322008.2); c.-242-1968A>T (NM_001322010.2, NM_001322004.2); short protein forms E10V.
Identifiers: ClinVar variation 843089 (VCV000843089.15), dbSNP rs878854050, ClinGen allele CA366745194.